The following is an entry in ClinVar:

NM_014251.3(SLC25A13):c.1375del (p.Ala459fs)

Gene: SLC25A13 (solute carrier family 25 member 13; minus strand). Cytogenetic location: 7q21.3.
Variant type: Deletion.
Coding change: c.1375del on transcript NM_014251.3 (MANE Select); coding-DNA position 1375, one base deleted (G; older notation c.1375delG).
Protein change: p.Ala459fs; shifts the reading frame from alanine 459.
Molecular consequence: frameshift variant. On other transcripts: non-coding transcript variant (1).
Genome position (GRCh38, 1-based): chr7:96,146,633, C deleted on the plus strand (G on the coding strand, the reverse complement: SLC25A13 is on the minus strand); the first of 2 consecutive C bases (chr7:96,146,633-96,146,634); deleting either gives the same sequence. VCF-style (leftmost placement, unchanged base first): chr7-96146632-GC-G. GRCh37 (hg19) VCF-style: chr7-95775944-GC-G.
Other names: c.1375delG (NM_014251.2); c.1378del, p.Ala460fs (NM_001160210.2); short protein forms A459fs, A460fs.
Identifiers: ClinVar variation 638891 (VCV000638891.9), dbSNP rs1178306013, ClinGen allele CA576350093.

ClinVar aggregate classification (germline): Pathogenic. Review status: criteria provided, multiple submitters, no conflicts (2 of 4 stars). 2 submissions from 2 submitters: Pathogenic (2). Last evaluated 2025-07-14.

Conditions:
Citrullinemia. Identifiers: Orphanet 187, MedGen C0175683, MONDO:0015991.
Citrin deficiency. Identifiers: Orphanet 247582, MedGen C1997910, MONDO:0016602.

Submissions (2):

Natera, Inc.
Classification: Pathogenic for Citrullinemia. Last evaluated: 2025-07-14. Review status: criteria provided, single submitter. Criteria: Natera Variant Classification Schema (03/2026). Collection method: clinical testing. Allele origin: germline.
Comment: The c.1375delG variant in SLC25A13 is a frameshift variant predicted to shift the reading frame beginning at codon 459 and leads to a stop codon 49 codons downstream. This variant is expected to result in nonsense mediated decay, truncation, or a dysfunctional protein product. This variant is rare in the general population with a frequency below the threshold expected for the associated phenotype(s). This variant has been observed in one or more individuals affected with the associated recessive disease, as either homozygous or compound heterozygous with a second variant (PMID: 18392553). Given the available evidence, this variant is classified as Pathogenic.

Labcorp Genetics (formerly Invitae), Labcorp
Classification: Pathogenic for Citrin deficiency. Last evaluated: 2023-10-18. Review status: criteria provided, single submitter. Criteria: Invitae Variant Classification Sherloc (09022015). Collection method: clinical testing. Allele origin: germline.
Comment: This sequence change creates a premature translational stop signal (p.Ala459Glnfs*49) in the SLC25A13 gene. It is expected to result in an absent or disrupted protein product. Loss-of-function variants in SLC25A13 are known to be pathogenic (PMID: 10369257, 14680984, 27405544). This variant is present in population databases (no rsID available, gnomAD 0.0009%). This premature translational stop signal has been observed in individual(s) with a SLC25A13-related condition (PMID: 18392553). ClinVar contains an entry for this variant (Variation ID: 638891). For these reasons, this variant has been classified as Pathogenic.

Literature cited by the submitters: PubMed 18392553 (cited by Natera, Inc. and Labcorp Genetics (formerly Invitae), Labcorp); PubMed 10369257 (cited by Labcorp Genetics (formerly Invitae), Labcorp); PubMed 14680984 (cited by Labcorp Genetics (formerly Invitae), Labcorp); PubMed 27405544 (cited by Labcorp Genetics (formerly Invitae), Labcorp).